The following is an entry in ClinVar:

NM_014336.5(AIPL1):c.384C>T (p.Ala128=)

Gene: AIPL1 (AIP like 1 HSP90 co-chaperone; minus strand). Cytogenetic location: 17p13.2.
Variant type: single nucleotide variant.
Coding change: c.384C>T on transcript NM_014336.5 (MANE Select); coding-DNA position 384, C replaced by T.
Protein change: p.Ala128=; no amino-acid change (alanine 128 retained).
Molecular consequence: synonymous variant. On other transcripts: intron variant (1).
Genome position (GRCh38, 1-based): chr17:6,428,399, G>A on the plus strand (C>T on the coding strand, the complement: AIPL1 is on the minus strand). VCF-style: chr17-6428399-G-A. GRCh37 (hg19) VCF-style: chr17-6331719-G-A.
Other names: c.384C>T (NM_014336.4); c.204C>T, p.Ala68= (NM_001033055.3); c.348C>T, p.Ala116= (NM_001285399.3); c.318C>T, p.Ala106= (NM_001285400.3); c.384C>T, p.Ala128= (NM_001285401.3, NM_001285403.4); c.267C>T, p.Ala89= (NM_001285402.2); c.277-1342C>T (NM_001033054.3).
Identifiers: ClinVar variation 1153568 (VCV001153568.10), dbSNP rs758056082, ClinGen allele CA8328524.

ClinVar aggregate classification (germline): Likely benign. Review status: criteria provided, multiple submitters, no conflicts (2 of 4 stars). 2 submissions from 2 submitters: Likely benign (2). Last evaluated 2025-09-23.

Conditions:
Leber congenital amaurosis 4 (LCA4). Identifiers: MedGen C1858386, MONDO:0011458, OMIM 604393.
AIPL1-related disorder. Also called: AIPL1-related condition; AIPL1-related disorders. Identifiers: MedGen CN239169.

Allele frequency attached by ClinVar (database versions not stated): TOPMed below 0.00001; ExAC 0.00002; gnomAD exomes 0.00002.

Submissions (2):

Labcorp Genetics (formerly Invitae), Labcorp
Classification: Likely benign for Leber congenital amaurosis 4. Last evaluated: 2025-09-23. Review status: criteria provided, single submitter. Criteria: Invitae Variant Classification Sherloc (09022015). Collection method: clinical testing. Allele origin: germline.

PreventionGenetics, part of Exact Sciences
Classification: Likely benign for AIPL1-related condition. Last evaluated: 2025-07-08. Review status: criteria provided, single submitter. Criteria: ACMG Guidelines, 2015. Collection method: clinical testing. Allele origin: germline.
Comment: This variant is classified as likely benign based on ACMG/AMP sequence variant interpretation guidelines (Richards et al. 2015 PMID: 25741868, with internal and published modifications).